The following is an entry in ClinVar:

ClinVar aggregate classification (germline): Conflicting classifications of pathogenicity. Review status: criteria provided, conflicting classifications (1 of 4 stars). 2 submissions from 2 submitters: Uncertain significance (1); Likely benign (1). Last evaluated 2025-03-07.

gnomAD v4.1: 19 of 1,608,798 alleles (0.0012%); highest among the groups gnomAD compares: East Asian, 0.038%; no homozygotes.

Submissions (2):

Labcorp Genetics (formerly Invitae), Labcorp
Classification: Uncertain significance. Last evaluated: 2025-03-07. Review status: criteria provided, single submitter. Criteria: Invitae Variant Classification Sherloc (09022015). Collection method: clinical testing. Allele origin: germline.
Comment: This sequence change replaces threonine, which is neutral and polar, with asparagine, which is neutral and polar, at codon 3 of the BUB1 protein (p.Thr3Asn). This variant is present in population databases (rs781298295, gnomAD 0.05%). This variant has not been reported in the literature in individuals affected with BUB1-related conditions. ClinVar contains an entry for this variant (Variation ID: 3135596). An algorithm developed to predict the effect of missense changes on protein structure and function outputs the following: PolyPhen-2: "Not Available". The asparagine amino acid residue is found in multiple mammalian species, which suggests that this missense change does not adversely affect protein function. In summary, the available evidence is currently insufficient to determine the role of this variant in disease. Therefore, it has been classified as a Variant of Uncertain Significance.

Ambry Genetics
Classification: Likely benign. Last evaluated: 2023-12-17. Review status: criteria provided, single submitter. Criteria: Ambry Variant Classification Scheme 2023. Collection method: clinical testing. Allele origin: germline.

NM_004336.5(BUB1):c.8C>A (p.Thr3Asn)

Gene: BUB1 (BUB1 mitotic checkpoint serine/threonine kinase; minus strand). Cytogenetic location: 2q13.
Variant type: single nucleotide variant.
Coding change: c.8C>A on transcript NM_004336.5 (MANE Select); coding-DNA position 8, C replaced by A.
Protein change: p.Thr3Asn; replaces threonine 3 with asparagine.
Molecular consequence: missense variant.
Genome position (GRCh38, 1-based): chr2:110,677,988, G>T on the plus strand (C>A on the coding strand, the complement: BUB1 is on the minus strand). VCF-style: chr2-110677988-G-T. GRCh37 (hg19) VCF-style: chr2-111435565-G-T.
Other names: c.8C>A, p.Thr3Asn (NM_001278616.2, NM_001278617.2); short protein forms T3N.
Identifiers: ClinVar variation 3135596 (VCV003135596.3), dbSNP rs781298295, ClinGen allele CA1828498.